The following is an entry in ClinVar:

ClinVar aggregate classification (germline): Uncertain significance (1 of 4 stars; one submission).

Conditions:
Hereditary spastic paraplegia 64. Also called: ENTPD1-Related Neurodevelopmental Disorder; Spastic paraplegia 64, autosomal recessive. Identifiers: Orphanet 401810, MedGen C3810289, MONDO:0014303, OMIM 615683.

Allele frequency attached by ClinVar (database versions not stated): gnomAD exomes below 0.00001.
gnomAD v4.1: 2 of 1,614,048 alleles (0.00012%); highest among the groups gnomAD compares: Non-Finnish European, 0.00017%; no homozygotes.

Submission:

Labcorp Genetics (formerly Invitae), Labcorp
Classification: Uncertain significance for Hereditary spastic paraplegia 64. Last evaluated: 2020-01-07. Review status: criteria provided, single submitter. Criteria: Invitae Variant Classification Sherloc (09022015). Collection method: clinical testing. Allele origin: germline.
Comment: This sequence change replaces histidine with glutamine at codon 59 of the ENTPD1 protein (p.His59Gln). The histidine residue is highly conserved and there is a small physicochemical difference between histidine and glutamine. In summary, the available evidence is currently insufficient to determine the role of this variant in disease. Therefore, it has been classified as a Variant of Uncertain Significance. Algorithms developed to predict the effect of sequence changes on RNA splicing suggest that this variant may create or strengthen a splice site, but this prediction has not been confirmed by published transcriptional studies. Algorithms developed to predict the effect of missense changes on protein structure and function do not agree on the potential impact of this missense change (SIFT: "Deleterious"; PolyPhen-2: "Probably Damaging"; Align-GVGD: "Class C0"). This variant has not been reported in the literature in individuals with ENTPD1-related disease. This variant is not present in population databases (ExAC no frequency).

NM_001776.6(ENTPD1):c.177C>G (p.His59Gln)

Genes: ENTPD1 (ectonucleoside triphosphate diphosphohydrolase 1; plus strand), ENTPD1-AS1 (ENTPD1 antisense RNA 1; minus strand). Cytogenetic location: 10q24.1.
Variant type: single nucleotide variant.
Coding change: c.177C>G on transcript NM_001776.6 (MANE Select); coding-DNA position 177, C replaced by G.
Protein change: p.His59Gln; replaces histidine 59 with glutamine.
Molecular consequence: missense variant. On other transcripts: 5 prime UTR variant (3), intron variant (1).
Genome position (GRCh38, 1-based): chr10:95,839,723, C>G. VCF-style: chr10-95839723-C-G. GRCh37 (hg19) VCF-style: chr10-97599480-C-G.
Other names: c.198C>G, p.His66Gln (NM_001098175.2); c.213C>G, p.His71Gln (NM_001164178.1, NM_001320916.1); c.177C>G, p.His59Gln (NM_001164179.2); c.-148C>G (NM_001164181.1, NM_001312654.1); c.-87C>G (NM_001164182.2); c.-1-4753C>G (NM_001164183.2); short protein forms H66Q, H59Q, H71Q.
Identifiers: ClinVar variation 474860 (VCV000474860.8), dbSNP rs1555301559, ClinGen allele CA377822007.